The following is an entry in ClinVar:

ClinVar aggregate classification (germline): Uncertain significance. Review status: criteria provided, multiple submitters, no conflicts (2 of 4 stars). 2 submissions from 2 submitters: Uncertain significance (2). Last evaluated 2018-12-31.

Conditions:
Cardiovascular phenotype. Identifiers: MedGen CN230736.
Catecholaminergic polymorphic ventricular tachycardia 1. Also called: RYR2-Related Catecholaminergic Polymorphic Ventricular Tachycardia; VENTRICULAR TACHYCARDIA, STRESS-INDUCED POLYMORPHIC 1; VENTRICULAR TACHYCARDIA, CATECHOLAMINERGIC POLYMORPHIC, 1, WITH OR WITHOUT ATRIAL DYSFUNCTION AND/OR DILATED CARDIOMYOPATHY. Identifiers: Orphanet 3286, MedGen C1631597, MONDO:0011484, OMIM 604772.

Allele frequency attached by ClinVar (database versions not stated): TOPMed below 0.00001; gnomAD 0.00001; gnomAD exomes 0.00001; ExAC 0.00002.
gnomAD v4.1: 1 of 1,611,496 alleles (0.000062%); highest among the groups gnomAD compares: Non-Finnish European, 0.000085%; no homozygotes.

Submissions (2):

Ambry Genetics
Classification: Uncertain significance for Cardiovascular phenotype. Last evaluated: 2018-12-31. Review status: criteria provided, single submitter. Criteria: Ambry Variant Classification Scheme 2023. Collection method: clinical testing. Allele origin: germline.
Comment: The c.22+4T>C intronic variant results from a T to C substitution 4 nucleotides after coding exon 1 in the TRDN gene. This nucleotide position is not well conserved in available vertebrate species. Using the BDGP and ESEfinder splice site prediction tools, this alteration is not predicted to have any significant effect on this splice donor site; however, direct evidence is unavailable. Since supporting evidence is limited at this time, the clinical significance of this alteration remains unclear.

Labcorp Genetics (formerly Invitae), Labcorp
Classification: Uncertain significance for Catecholaminergic polymorphic ventricular tachycardia 1. Last evaluated: 2018-09-06. Review status: criteria provided, single submitter. Criteria: Invitae Variant Classification Sherloc (09022015). Collection method: clinical testing. Allele origin: germline.
Comment: This variant is present in population databases (rs757565507, ExAC 0.003%). This sequence change falls in intron 1 of the TRDN gene. It does not directly change the encoded amino acid sequence of the TRDN protein, but it affects a nucleotide within the consensus splice site of the intron. This variant has not been reported in the literature in individuals with TRDN-related disease. In summary, the available evidence is currently insufficient to determine the role of this variant in disease. Therefore, it has been classified as a Variant of Uncertain Significance. Nucleotide substitutions within the consensus splice site are a relatively common cause of aberrant splicing (PMID: 17576681, 9536098). Algorithms developed to predict the effect of sequence changes on RNA splicing suggest that this variant is not likely to affect RNA splicing, but this prediction has not been confirmed by published transcriptional studies.

Literature cited by the submitters: PubMed 17576681 (cited by Labcorp Genetics (formerly Invitae), Labcorp); PubMed 9536098 (cited by Labcorp Genetics (formerly Invitae), Labcorp).

NM_006073.4(TRDN):c.22+4T>C

Gene: TRDN (triadin; minus strand). Cytogenetic location: 6q22.31.
Variant type: single nucleotide variant.
Coding change: c.22+4T>C on transcript NM_006073.4 (MANE Select); 4 bases into the intron after coding-DNA position 22, T replaced by C.
Molecular consequence: intron variant.
Genome position (GRCh38, 1-based): chr6:123,636,750, A>G on the plus strand (T>C on the coding strand, the complement: TRDN is on the minus strand). VCF-style: chr6-123636750-A-G. GRCh37 (hg19) VCF-style: chr6-123957895-A-G.
Other names: c.22+4T>C (NM_001251987.2, NM_001256020.2, NM_001256021.2 and 1 more transcripts).
Identifiers: ClinVar variation 647769 (VCV000647769.11), dbSNP rs757565507, ClinGen allele CA3984522.
Genomic context (GRCh38, chr6:123,636,750, plus strand): 5'-ATGTGGCTGTCGATTTGCATATTTTTTTTCCTTACTTGATACTATCGGAAAATGGTAGCA[A>G]TACCTTCAGCAGTGATCTCAGTCATGGTGGTCGTCAAAAGTAAAAGTCAGTTGAAAAGTT-3'